The following is an entry in ClinVar:

NM_007215.4(POLG2):c.765G>T (p.Trp255Cys)

Genes: MILR1 (mast cell immunoglobulin like receptor 1; plus strand), POLG2 (DNA polymerase gamma 2, accessory subunit; minus strand). Cytogenetic location: 17q23.3.
Variant type: single nucleotide variant.
Coding change: c.765G>T on transcript NM_007215.4 (MANE Select); coding-DNA position 765, G replaced by T.
Protein change: p.Trp255Cys; replaces tryptophan 255 with cysteine.
Molecular consequence: missense variant.
Genome position (GRCh38, 1-based): chr17:64,492,697, C>A on the plus strand (G>T on the coding strand, the complement: POLG2 is on the minus strand). VCF-style: chr17-64492697-C-A. GRCh37 (hg19) VCF-style: chr17-62488814-C-A.
Other names: short protein forms W255C.
Identifiers: ClinVar variation 1958707 (VCV001958707.5), dbSNP rs1253404236, ClinGen allele CA400638930.

ClinVar aggregate classification (germline): Uncertain significance (1 of 4 stars; one submission).

Allele frequency attached by ClinVar (database versions not stated): gnomAD exomes below 0.00001; TOPMed below 0.00001.
gnomAD v4.1: 2 of 1,612,012 alleles (0.00012%); highest among the groups gnomAD compares: Admixed American, 0.0033%; no homozygotes.

Submission:

Labcorp Genetics (formerly Invitae), Labcorp
Classification: Uncertain significance. Last evaluated: 2024-08-20. Review status: criteria provided, single submitter. Criteria: Invitae Variant Classification Sherloc (09022015). Collection method: clinical testing. Allele origin: germline.
Comment: This sequence change replaces tryptophan, which is neutral and slightly polar, with cysteine, which is neutral and slightly polar, at codon 255 of the POLG2 protein (p.Trp255Cys). This variant is present in population databases (no rsID available, gnomAD 0.006%). This variant has not been reported in the literature in individuals affected with POLG2-related conditions. ClinVar contains an entry for this variant (Variation ID: 1958707). An algorithm developed to predict the effect of missense changes on protein structure and function (PolyPhen-2) suggests that this variant is likely to be disruptive. In summary, the available evidence is currently insufficient to determine the role of this variant in disease. Therefore, it has been classified as a Variant of Uncertain Significance.